The following is an entry in ClinVar:

NM_015450.3(POT1):c.17C>T (p.Ala6Val)

Gene: POT1 (protection of telomeres 1; minus strand). Cytogenetic location: 7q31.33.
Variant type: single nucleotide variant.
Coding change: c.17C>T on transcript NM_015450.3 (MANE Select); coding-DNA position 17, C replaced by T.
Protein change: p.Ala6Val; replaces alanine 6 with valine.
Molecular consequence: missense variant. On other transcripts: 5 prime UTR variant (1), non-coding transcript variant (3).
Genome position (GRCh38, 1-based): chr7:124,892,373, G>A on the plus strand (C>T on the coding strand, the complement: POT1 is on the minus strand). VCF-style: chr7-124892373-G-A. GRCh37 (hg19) VCF-style: chr7-124532427-G-A.
Other names: c.-246C>T (NM_001042594.2); short protein forms A6V.
Identifiers: ClinVar variation 3936297 (VCV003936297.1).

ClinVar aggregate classification (germline): Uncertain significance (1 of 4 stars; one submission).

Conditions:
Hereditary cancer-predisposing syndrome. Also called: Tumor predisposition; Hereditary neoplastic syndrome; Hereditary Cancer Syndrome; Neoplastic Syndromes, Hereditary. Identifiers: Orphanet 140162, MedGen C0027672, MeSH D009386, MONDO:0015356.

Submission:

Ambry Genetics
Classification: Uncertain significance for Hereditary cancer-predisposing syndrome. Last evaluated: 2025-05-10. Review status: criteria provided, single submitter. Criteria: Ambry Variant Classification Scheme 2023. Collection method: clinical testing. Allele origin: germline.
Comment: The p.A6V variant (also known as c.17C>T), located in coding exon 2 of the POT1 gene, results from a C to T substitution at nucleotide position 17. The alanine at codon 6 is replaced by valine, an amino acid with similar properties. This amino acid position is conserved. In addition, this alteration is predicted to be tolerated by in silico analysis. Based on the available evidence, the clinical significance of this variant remains unclear.